The following is an entry in ClinVar:

ClinVar aggregate classification (germline): Pathogenic/Likely pathogenic. Review status: criteria provided, multiple submitters, no conflicts (2 of 4 stars). 3 submissions from 3 submitters: Pathogenic (1); Likely pathogenic (2). Last evaluated 2025-04-17.

Conditions:
Amyotrophic lateral sclerosis type 1 (ALS1). Also called: AMYOTROPHIC LATERAL SCLEROSIS 1, FAMILIAL. Identifiers: Orphanet 803, MedGen C1862939, MONDO:0007103, OMIM 105400.

Submissions (3):

Human Genome Lab, NIMHANS, National Institute of Mental Health and Neuro Sciences
Classification: Pathogenic for Amyotrophic lateral sclerosis type 1. Last evaluated: 2025-04-17. Review status: criteria provided, single submitter. Criteria: ACMG Guidelines, 2015. Collection method: clinical testing. Allele origin: germline. Inheritance: Autosomal dominant inheritance. Affected: yes. Observed: 1 heterozygote.
Comment: The SOD1 gene encodes superoxide dismutase-1, a cytoplasmic antioxidant enzyme that metabolizes superoxide radicals to molecular oxygen and hydrogen peroxide, thus providing a defense against oxygen toxicity.Variant c.262G>A p.Val88Met (rs1568810641) in the SOD1 gene results in the substitution of valine with methionine at the amino acid position 88. This missense variant involves a change in the nucleotide sequence that leads to the alteration of the encoded protein's primary structure.

Labcorp Genetics (formerly Invitae), Labcorp
Classification: Likely pathogenic for Amyotrophic lateral sclerosis type 1. Last evaluated: 2022-05-09. Review status: criteria provided, single submitter. Criteria: Invitae Variant Classification Sherloc (09022015). Collection method: clinical testing. Allele origin: germline.
Comment: This variant disrupts the p.Val88 amino acid residue in SOD1. Other variant(s) that disrupt this residue have been determined to be pathogenic (PMID: 14506936, 23280792, 27604643; Invitae). This suggests that this residue is clinically significant, and that variants that disrupt this residue are likely to be disease-causing. In summary, the currently available evidence indicates that the variant is pathogenic, but additional data are needed to prove that conclusively. Therefore, this variant has been classified as Likely Pathogenic. Experimental studies have shown that this missense change affects SOD1 function (PMID: 23280792). Advanced modeling of protein sequence and biophysical properties (such as structural, functional, and spatial information, amino acid conservation, physicochemical variation, residue mobility, and thermodynamic stability) performed at Invitae indicates that this missense variant is expected to disrupt SOD1 protein function. ClinVar contains an entry for this variant (Variation ID: 873199). This variant is also known as p.Val87Met. This missense change has been observed in individual(s) with amyotrophic lateral sclerosis (Invitae). This variant is not present in population databases (gnomAD no frequency). This sequence change replaces valine, which is neutral and non-polar, with methionine, which is neutral and non-polar, at codon 88 of the SOD1 protein (p.Val88Met).

Suna and Inan Kirac Foundation Neurodegeneration Research Laboratory, Koc University
Classification: Likely pathogenic for Amyotrophic lateral sclerosis type 1. Last evaluated: 2020-03-31. Review status: criteria provided, single submitter. Criteria: ACMG Guidelines, 2015. Collection method: research. Allele origin: germline. Affected: yes. Observed: 1 variant allele.

Literature cited by the submitters: PubMed 14506936 (cited by Labcorp Genetics (formerly Invitae), Labcorp); PubMed 23280792 (cited by Labcorp Genetics (formerly Invitae), Labcorp); PubMed 27604643 (cited by Labcorp Genetics (formerly Invitae), Labcorp).

NM_000454.5(SOD1):c.262G>A (p.Val88Met)

Gene: SOD1 (superoxide dismutase 1; plus strand). Cytogenetic location: 21q22.11.
Variant type: single nucleotide variant.
Coding change: c.262G>A on transcript NM_000454.5 (MANE Select); coding-DNA position 262, G replaced by A.
Protein change: p.Val88Met; replaces valine 88 with methionine.
Molecular consequence: missense variant.
Genome position (GRCh38, 1-based): chr21:31,667,280, G>A. VCF-style: chr21-31667280-G-A. GRCh37 (hg19) VCF-style: chr21-33039593-G-A.
Other names: p.Val88Met; short protein forms V88M.
Identifiers: ClinVar variation 873199 (VCV000873199.9), dbSNP rs1568810641, ClinGen allele CA410037419.